The following is an entry in ClinVar:

ClinVar aggregate classification (germline): Uncertain significance. Review status: criteria provided, multiple submitters, no conflicts (2 of 4 stars). 2 submissions from 2 submitters: Uncertain significance (2). Last evaluated 2025-08-05.

Conditions:
Autosomal recessive limb-girdle muscular dystrophy type 2Q (LGMDR17). Also called: MUSCULAR DYSTROPHY, LIMB-GIRDLE, AUTOSOMAL RECESSIVE 17. Identifiers: Orphanet 254361, MedGen C3150989, MONDO:0013390, OMIM 613723.
Epidermolysis bullosa simplex 5B, with muscular dystrophy (EBS5B). Also called: Epidermolysis bullosa simplex with muscular dystrophy; EPIDERMOLYSIS BULLOSA SIMPLEX AND LIMB-GIRDLE MUSCULAR DYSTROPHY. Identifiers: Orphanet 257, MedGen C2931072, MONDO:0009181, OMIM 226670.
Epidermolysis bullosa simplex, Ogna type (EBS5A). Also called: Pidermolysis bullosa simplex 5A, Ogna type; EPIDERMOLYSIS BULLOSA SIMPLEX 5A, OGNA TYPE. Identifiers: Orphanet 79401, MedGen C0432317, MONDO:0007555, OMIM 131950.
Epidermolysis bullosa simplex 5C, with pyloric atresia (EBS5C). Also called: PLEC1-Related Epidermolysis Bullosa with Pyloric Atresia; Epidermolysis bullosa simplex with pyloric atresia; PLEC-Related Epidermolysis Bullosa with Pyloric Atresia. Identifiers: Orphanet 158684, MedGen C2677349, MONDO:0012807, OMIM 612138.
Epidermolysis bullosa simplex with nail dystrophy (EBS5D). Identifiers: MedGen C4225309, MONDO:0014661, OMIM 616487.
Inborn genetic diseases. Identifiers: MedGen C0950123, MeSH D030342.

Allele frequency attached by ClinVar (database versions not stated): gnomAD exomes 0.00002 and 0.00003; TOPMed 0.00002; gnomAD 0.00003; ExAC 0.00007.
gnomAD v4.1: 25 of 1,607,442 alleles (0.0016%); highest among the groups gnomAD compares: East Asian, 0.013%; no homozygotes.

Submissions (2):

Ambry Genetics
Classification: Uncertain significance for Inborn genetic diseases. Last evaluated: 2025-08-05. Review status: criteria provided, single submitter. Criteria: Ambry Variant Classification Scheme 2023. Collection method: clinical testing. Allele origin: germline.

Labcorp Genetics (formerly Invitae), Labcorp
Classification: Uncertain significance for Autosomal recessive limb-girdle muscular dystrophy type 2Q; Epidermolysis bullosa simplex, Ogna type; Epidermolysis bullosa simplex with nail dystrophy; Epidermolysis bullosa simplex 5C, with pyloric atresia; Epidermolysis bullosa simplex 5B, with muscular dystrophy. Last evaluated: 2024-03-21. Review status: criteria provided, single submitter. Criteria: Invitae Variant Classification Sherloc (09022015). Collection method: clinical testing. Allele origin: germline.
Comment: This sequence change replaces arginine, which is basic and polar, with tryptophan, which is neutral and slightly polar, at codon 2185 of the PLEC protein (p.Arg2185Trp). The frequency data for this variant in the population databases is considered unreliable, as metrics indicate poor data quality at this position in the gnomAD database. This variant has not been reported in the literature in individuals affected with PLEC-related conditions. ClinVar contains an entry for this variant (Variation ID: 852304). An algorithm developed to predict the effect of missense changes on protein structure and function (PolyPhen-2) suggests that this variant is likely to be tolerated. In summary, the available evidence is currently insufficient to determine the role of this variant in disease. Therefore, it has been classified as a Variant of Uncertain Significance.

NM_201384.3(PLEC):c.6472C>T (p.Arg2158Trp)

Gene: PLEC (plectin; minus strand). Cytogenetic location: 8q24.3.
Variant type: single nucleotide variant.
Coding change: c.6472C>T on transcript NM_201384.3 (MANE Select); coding-DNA position 6472, C replaced by T.
Protein change: p.Arg2158Trp; replaces arginine 2158 with tryptophan.
Molecular consequence: missense variant.
Genome position (GRCh38, 1-based): chr8:143,923,457, G>A on the plus strand (C>T on the coding strand, the complement: PLEC is on the minus strand). VCF-style: chr8-143923457-G-A. GRCh37 (hg19) VCF-style: chr8-144997625-G-A.
Other names: c.6553C>T (NM_000445.3); c.6553C>T, p.Arg2185Trp (NM_000445.5); c.6430C>T, p.Arg2144Trp (NM_201378.4); c.6406C>T, p.Arg2136Trp (NM_201379.3); c.6883C>T, p.Arg2295Trp (NM_201380.4); c.6376C>T, p.Arg2126Trp (NM_201381.3); c.6472C>T, p.Arg2158Trp (NM_201382.4); c.6484C>T, p.Arg2162Trp (NM_201383.3); short protein forms R2295W, R2144W, R2158W, R2162W, R2185W, R2126W, R2136W.
Identifiers: ClinVar variation 852304 (VCV000852304.8), dbSNP rs782316323, ClinGen allele CA4925976.